The following is an entry in ClinVar:

ClinVar aggregate classification (germline): Uncertain significance (1 of 4 stars; one submission).

Allele frequency attached by ClinVar (database versions not stated): ExAC 0.00001.
gnomAD v4.1: 4 of 1,614,054 alleles (0.00025%); highest among the groups gnomAD compares: South Asian, 0.0011%; no homozygotes.

Submission:

GeneDx
Classification: Uncertain significance. Last evaluated: 2023-03-05. Review status: criteria provided, single submitter. Criteria: GeneDx Variant Classification Process June 2021. Collection method: clinical testing. Allele origin: germline. Affected: yes.
Comment: Not observed at significant frequency in large population cohorts (gnomAD); In silico analysis supports that this variant does not alter splicing; Has not been previously published as pathogenic or benign to our knowledge

NM_013275.6(ANKRD11):c.602-5T>C

Gene: ANKRD11 (ankyrin repeat domain containing 11; minus strand). Cytogenetic location: 16q24.3.
Variant type: single nucleotide variant.
Coding change: c.602-5T>C on transcript NM_013275.6 (MANE Select); 5 bases into the intron before coding-DNA position 602, T replaced by C.
Molecular consequence: intron variant.
Genome position (GRCh38, 1-based): chr16:89,288,675, A>G on the plus strand (T>C on the coding strand, the complement: ANKRD11 is on the minus strand). VCF-style: chr16-89288675-A-G. GRCh37 (hg19) VCF-style: chr16-89355083-A-G.
Other names: c.602-5T>C (NM_001256183.2, NM_001256182.2).
Identifiers: ClinVar variation 2579560 (VCV002579560.1), dbSNP rs761173944, ClinGen allele CA8243027.